The following is an entry in ClinVar:

NM_030962.4(SBF2):c.5167A>G (p.Asn1723Asp)

Genes: SBF2 (SET binding factor 2; minus strand), SBF2-AS1 (SBF2 antisense RNA 1; plus strand), LOC105369149 (uncharacterized LOC105369149; plus strand). Cytogenetic location: 11p15.4.
Variant type: single nucleotide variant.
Coding change: c.5167A>G on transcript NM_030962.4 (MANE Select); coding-DNA position 5167, A replaced by G.
Protein change: p.Asn1723Asp; replaces asparagine 1723 with aspartic acid.
Molecular consequence: missense variant.
Genome position (GRCh38, 1-based): chr11:9,785,189, T>C on the plus strand (A>G on the coding strand, the complement: SBF2 is on the minus strand). VCF-style: chr11-9785189-T-C. GRCh37 (hg19) VCF-style: chr11-9806736-T-C.
Other names: c.5263A>G, p.Asn1755Asp (NM_001386339.1); c.5038A>G, p.Asn1680Asp (NM_001386342.1); short protein forms N1680D, N1723D, N1755D.
Identifiers: ClinVar variation 2076099 (VCV002076099.4), dbSNP rs755754461, ClinGen allele CA5880780.

ClinVar aggregate classification (germline): Uncertain significance (1 of 4 stars; one submission).

Conditions:
Charcot-Marie-Tooth disease type 4. Also called: Charcot-Marie-Tooth, Type 4; Charcot-Marie-Tooth disease, type IV. Identifiers: Orphanet 64749, MedGen C4082197, MONDO:0018995.

Allele frequency attached by ClinVar (database versions not stated): gnomAD exomes below 0.00001; ExAC 0.00001.
gnomAD v4.1: 1 of 1,614,098 alleles (0.000062%); highest among the groups gnomAD compares: African/African-American, 0.0013%; no homozygotes.

Submission:

Labcorp Genetics (formerly Invitae), Labcorp
Classification: Uncertain significance for Charcot-Marie-Tooth disease type 4. Last evaluated: 2022-05-11. Review status: criteria provided, single submitter. Criteria: Invitae Variant Classification Sherloc (09022015). Collection method: clinical testing. Allele origin: germline.
Comment: In summary, the available evidence is currently insufficient to determine the role of this variant in disease. Therefore, it has been classified as a Variant of Uncertain Significance. Algorithms developed to predict the effect of missense changes on protein structure and function (SIFT, PolyPhen-2, Align-GVGD) all suggest that this variant is likely to be tolerated. This variant has not been reported in the literature in individuals affected with SBF2-related conditions. This variant is not present in population databases (gnomAD no frequency). This sequence change replaces asparagine, which is neutral and polar, with aspartic acid, which is acidic and polar, at codon 1723 of the SBF2 protein (p.Asn1723Asp).